The following is an entry in ClinVar:

ClinVar aggregate classification (germline): Likely pathogenic (1 of 4 stars; one submission).

Submission:

Labcorp Genetics (formerly Invitae), Labcorp
Classification: Likely pathogenic. Last evaluated: 2022-06-14. Review status: criteria provided, single submitter. Criteria: Invitae Variant Classification Sherloc (09022015). Collection method: clinical testing. Allele origin: germline.
Comment: In summary, the currently available evidence indicates that the variant is pathogenic, but additional data are needed to prove that conclusively. Therefore, this variant has been classified as Likely Pathogenic. Algorithms developed to predict the effect of sequence changes on RNA splicing suggest that this variant may disrupt the consensus splice site. This variant has not been reported in the literature in individuals affected with TUBGCP4-related conditions. This variant is not present in population databases (gnomAD no frequency). This sequence change affects a donor splice site in intron 14 of the TUBGCP4 gene. It is expected to disrupt RNA splicing. Variants that disrupt the donor or acceptor splice site typically lead to a loss of protein function (PMID: 16199547), and loss-of-function variants in TUBGCP4 are known to be pathogenic (PMID: 25817018).

Literature cited by the submitters: PubMed 16199547; PubMed 25817018.

NM_014444.5(TUBGCP4):c.1596+1G>A

Gene: TUBGCP4 (tubulin gamma complex component 4; plus strand). Cytogenetic location: 15q15.3.
Variant type: single nucleotide variant.
Coding change: c.1596+1G>A on transcript NM_014444.5 (MANE Select); the canonical splice donor site of the intron after coding-DNA position 1596, G replaced by A.
Molecular consequence: splice donor variant.
Genome position (GRCh38, 1-based): chr15:43,400,222, G>A. VCF-style: chr15-43400222-G-A. GRCh37 (hg19) VCF-style: chr15-43692420-G-A.
Other names: c.1599+1G>A (NM_001286414.3).
Identifiers: ClinVar variation 2006531 (VCV002006531.4), dbSNP rs2543084151, ClinGen allele CA392136900.
Genomic context (GRCh38, chr15:43,400,222, plus strand): 5'-AAGTGGCGCCTAAGAAATCACATGGCATTTTTGGTGGATAATCTTCAGTACTATCTCCAG[G>A]TCTGTGCTAAGAGATGAGTAGAAGGAAGGGGTACGGAAAAACGTCTAGGAGGTTGGCAGG-3'